The following is an entry in ClinVar:

ClinVar aggregate classification (germline): Conflicting classifications of pathogenicity. Review status: criteria provided, conflicting classifications (1 of 4 stars). 2 submissions from 2 submitters: Uncertain significance (1); Likely benign (1). Last evaluated 2025-08-06.

Conditions:
RAI1-related disorder. Also called: RAI1-related condition.

Allele frequency attached by ClinVar (database versions not stated): gnomAD exomes below 0.00001; ExAC 0.00001; gnomAD 0.00001; ESP Exome Variant Server 0.00008.
gnomAD v4.1: 3 of 1,613,744 alleles (0.00019%); highest among the groups gnomAD compares: African/African-American, 0.004%; no homozygotes.

Submissions (2):

Labcorp Genetics (formerly Invitae), Labcorp
Classification: Likely benign. Last evaluated: 2025-08-06. Review status: criteria provided, single submitter. Criteria: Invitae Variant Classification Sherloc (09022015). Collection method: clinical testing. Allele origin: germline.

PreventionGenetics, part of Exact Sciences
Classification: Uncertain significance for RAI1-related condition. Last evaluated: 2024-10-09. Review status: criteria provided, single submitter. Criteria: ACMG Guidelines, 2015. Collection method: clinical testing. Allele origin: germline.
Comment: The RAI1 c.4997T>G variant is predicted to result in the amino acid substitution p.Leu1666Arg. To our knowledge, this variant has not been reported in the literature. This variant is reported in 0.0062% of alleles in individuals of African descent in gnomAD. At this time, the clinical significance of this variant is uncertain due to the absence of conclusive functional and genetic evidence.

NM_030665.4(RAI1):c.4997T>G (p.Leu1666Arg)

Gene: RAI1 (retinoic acid induced 1; plus strand). Cytogenetic location: 17p11.2.
Variant type: single nucleotide variant.
Coding change: c.4997T>G on transcript NM_030665.4 (MANE Select); coding-DNA position 4997, T replaced by G.
Protein change: p.Leu1666Arg; replaces leucine 1666 with arginine.
Molecular consequence: missense variant.
Genome position (GRCh38, 1-based): chr17:17,797,945, T>G. VCF-style: chr17-17797945-T-G. GRCh37 (hg19) VCF-style: chr17-17701259-T-G.
Other names: c.4997T>G (NM_030665.3); short protein forms L1666R.
Identifiers: ClinVar variation 1971081 (VCV001971081.6), dbSNP rs139721597, ClinGen allele CA8419082.